The following is an entry in ClinVar:

ClinVar aggregate classification (germline): Uncertain significance (1 of 4 stars; one submission).

gnomAD v4.1: 19 of 1,614,174 alleles (0.0012%); highest among the groups gnomAD compares: Admixed American, 0.0017%; no homozygotes.

Submission:

Labcorp Genetics (formerly Invitae), Labcorp
Classification: Uncertain significance. Last evaluated: 2025-02-20. Review status: criteria provided, single submitter. Criteria: Invitae Variant Classification Sherloc (09022015). Collection method: clinical testing. Allele origin: germline.
Comment: This sequence change replaces tyrosine, which is neutral and polar, with histidine, which is basic and polar, at codon 212 of the FEZF1 protein (p.Tyr212His). This variant is present in population databases (no rsID available, gnomAD 0.003%). This variant has not been reported in the literature in individuals affected with FEZF1-related conditions. An algorithm developed to predict the effect of missense changes on protein structure and function (PolyPhen-2) suggests that this variant is likely to be disruptive. In summary, the available evidence is currently insufficient to determine the role of this variant in disease. Therefore, it has been classified as a Variant of Uncertain Significance.

NM_001024613.4(FEZF1):c.634T>C (p.Tyr212His)

Genes: FEZF1 (FEZ family zinc finger 1; minus strand), FEZF1-AS1 (FEZF1 antisense RNA 1; plus strand). Cytogenetic location: 7q31.32.
Variant type: single nucleotide variant.
Coding change: c.634T>C on transcript NM_001024613.4 (MANE Select); coding-DNA position 634, T replaced by C.
Protein change: p.Tyr212His; replaces tyrosine 212 with histidine.
Molecular consequence: missense variant. On other transcripts: non-coding transcript variant (1).
Genome position (GRCh38, 1-based): chr7:122,303,804, A>G on the plus strand (T>C on the coding strand, the complement: FEZF1 is on the minus strand). VCF-style: chr7-122303804-A-G. GRCh37 (hg19) VCF-style: chr7-121943858-A-G.
Other names: c.484T>C, p.Tyr162His (NM_001160264.3); short protein forms Y162H, Y212H.
Identifiers: ClinVar variation 4692736 (VCV004692736.1).